The following is an entry in ClinVar:

ClinVar aggregate classification (germline): Likely benign. Review status: criteria provided, multiple submitters, no conflicts (2 of 4 stars). 3 submissions from 3 submitters: Likely benign (2). 1 of the submissions does not count toward it. Last evaluated 2025-09-19.

Conditions:
SAMD9-related disorder. Also called: SAMD9-related condition.
Inborn genetic diseases. Identifiers: MedGen C0950123, MeSH D030342.

Allele frequency attached by ClinVar (database versions not stated): TOPMed 0.00001; gnomAD exomes below 0.00001; gnomAD 0.00001.
gnomAD v4.1: 3 of 1,613,934 alleles (0.00019%); highest among the groups gnomAD compares: Admixed American, 0.005%; no homozygotes.

Submissions (3):

Ambry Genetics
Classification: Likely benign for Inborn genetic diseases. Last evaluated: 2025-09-19. Review status: criteria provided, single submitter. Criteria: Ambry Variant Classification Scheme 2023. Collection method: clinical testing. Allele origin: germline.

Labcorp Genetics (formerly Invitae), Labcorp
Classification: Likely benign. Last evaluated: 2023-03-09. Review status: criteria provided, single submitter. Criteria: Invitae Variant Classification Sherloc (09022015). Collection method: clinical testing. Allele origin: germline.

PreventionGenetics, part of Exact Sciences
Classification: Likely benign for SAMD9-related condition. Last evaluated: 2021-02-04. Review status: no assertion criteria provided. Collection method: clinical testing. Allele origin: germline. Not counted in ClinVar's aggregate classification.
Comment: This variant is classified as likely benign based on ACMG/AMP sequence variant interpretation guidelines (Richards et al. 2015 PMID: 25741868, with internal and published modifications).

NM_017654.4(SAMD9):c.1530A>G (p.Pro510=)

Gene: SAMD9 (sterile alpha motif domain containing 9; minus strand). Cytogenetic location: 7q21.2.
Variant type: single nucleotide variant.
Coding change: c.1530A>G on transcript NM_017654.4 (MANE Select); coding-DNA position 1530, A replaced by G.
Protein change: p.Pro510=; no amino-acid change (proline 510 retained).
Molecular consequence: synonymous variant.
Genome position (GRCh38, 1-based): chr7:93,104,568, T>C on the plus strand (A>G on the coding strand, the complement: SAMD9 is on the minus strand). VCF-style: chr7-93104568-T-C. GRCh37 (hg19) VCF-style: chr7-92733881-T-C.
Other names: c.1530A>G (NM_017654.3); c.1530A>G, p.Pro510= (NM_001193307.2).
Identifiers: ClinVar variation 2960745 (VCV002960745.6), dbSNP rs1387535692, ClinGen allele CA456626702.